The following is an entry in ClinVar:

ClinVar aggregate classification (germline): Uncertain significance (1 of 4 stars; one submission).

Submission:

GeneDx
Classification: Uncertain significance. Last evaluated: 2024-07-25. Review status: criteria provided, single submitter. Criteria: GeneDx Variant Classification Process June 2021. Collection method: clinical testing. Allele origin: germline. Affected: yes.
Comment: Not observed at significant frequency in large population cohorts (gnomAD); Canonical splice site variant in a gene or region of a gene for which loss of function is not a well-established mechanism of disease; Has not been previously published as pathogenic or benign to our knowledge.

NM_003036.4(SKI):c.969+2T>A

Gene: SKI (SKI proto-oncogene; plus strand). Cytogenetic location: 1p36.33.
Variant type: single nucleotide variant.
Coding change: c.969+2T>A on transcript NM_003036.4 (MANE Select); the canonical splice donor site of the intron after coding-DNA position 969, T replaced by A.
Molecular consequence: splice donor variant.
Genome position (GRCh38, 1-based): chr1:2,229,737, T>A. VCF-style: chr1-2229737-T-A. GRCh37 (hg19) VCF-style: chr1-2161176-T-A.
Identifiers: ClinVar variation 3600586 (VCV003600586.1).